The following is an entry in ClinVar:

NM_000203.5(IDUA):c.613T>C (p.Cys205Arg)

Gene: IDUA (alpha-L-iduronidase; plus strand). Cytogenetic location: 4p16.3.
Variant type: single nucleotide variant.
Coding change: c.613T>C on transcript NM_000203.5 (MANE Select); coding-DNA position 613, T replaced by C.
Protein change: p.Cys205Arg; replaces cysteine 205 with arginine.
Molecular consequence: missense variant. On other transcripts: non-coding transcript variant (1).
Genome position (GRCh38, 1-based): chr4:1,001,702, T>C. VCF-style: chr4-1001702-T-C. GRCh37 (hg19) VCF-style: chr4-995490-T-C.
Other names: NM_001363576.1:c.217T>C; c.217T>C, p.Cys73Arg (NM_001363576.1); short protein forms C205R, C73R.
Identifiers: ClinVar variation 4818935 (VCV004818935.1).
Genomic context (GRCh38, chr4:1,001,702, plus strand): 5'-CCAGGGCAGGTGTAGACGCAGTGCTCCCCCGGCCCAGGCTTCCTGAACTACTACGATGCC[T>C]GCTCGGAGGGTCTGCGCGCCGCCAGCCCCGCCCTGCGGCTGGGAGGCCCCGGCGACTCCT-3'
Protein context (NP_000194.2, residues 195-215): MQGFLNYYDA[Cys205Arg]SEGLRAASPA

ClinVar aggregate classification (germline): Uncertain significance (3 of 4 stars; one submission).

Conditions:
Mucopolysaccharidosis type 1. Also called: IDUA deficiency; MPS I; Mucopolysaccharidosis Type I. Identifiers: Orphanet 579, MedGen C0023786, MONDO:0001586.

Submission:

ClinGen Lysosomal Storage Disorder Variant Curation Expert Panel
Classification: Uncertain significance for Mucopolysaccharidosis type 1. Last evaluated: 2026-01-05. Review status: reviewed by expert panel. Criteria: ClinGen LSD ACMG Specifications IDUA V1.2.0. Collection method: curation. Allele origin: germline. Inheritance: Autosomal recessive inheritance.
Comment: The NM_000203.5:c.613T>C variant in IDUA is a missense variant predicted to cause substitution of Cysteine by Arginine at amino acid 205 (p.Cys205Arg). One patient was seen with this variant and a potential diagnosis of MPS I, however there was insufficient data available to apply PP4 or PM3 (PMID:35614200). This variant is absent in gnomAD v4.1.0. (PM2_Supporting). The computational predictor REVEL gives a score of 0.93 which is above the threshold of 0.773, evidence that correlates with impact to IDUA function at the moderate level based on the specifications of the ClinGen Lysosomal Diseases VCEP (PMID: 36413997) (PP3_Moderate). Another missense variant c.614G>A (p.Cys205Tyr), [ClinVar Variation ID: 1468875] in the same codon has been classified as likely pathogenic for MPS I by the ClinGen Lysosomal Diseases VCEP (PM5_Supporting).In summary, this variant meets the criteria to be classified as VUS for MPS I based on the IDUA-specific ACMG/AMP criteria applied, as specified by the ClinGen Lysosomal Diseases Variant Curation Expert Panel (Specifications Version 1.2.0): PM2_Supporting, PP3_Moderate, PM5_Supporting (Classification approved by the ClinGen Lysosomal Diseases Variant Curation Expert Panel on January 5, 2026)